The following is an entry in ClinVar:

ClinVar aggregate classification (germline): Uncertain significance (1 of 4 stars; one submission).

Submission:

Labcorp Genetics (formerly Invitae), Labcorp
Classification: Uncertain significance. Last evaluated: 2025-10-13. Review status: criteria provided, single submitter. Criteria: Invitae Variant Classification Sherloc (09022015). Collection method: clinical testing. Allele origin: germline.
Comment: This sequence change replaces aspartic acid, which is acidic and polar, with glycine, which is neutral and non-polar, at codon 53 of the LBR protein (p.Asp53Gly). This variant is not present in population databases (gnomAD no frequency). This variant has not been reported in the literature in individuals affected with LBR-related conditions. ClinVar contains an entry for this variant (Variation ID: 2002965). Invitae Evidence Modeling of protein sequence and biophysical properties (such as structural, functional, and spatial information, amino acid conservation, physicochemical variation, residue mobility, and thermodynamic stability) indicates that this missense variant is expected to disrupt LBR protein function with a positive predictive value of 95%. In summary, the available evidence is currently insufficient to determine the role of this variant in disease. Therefore, it has been classified as a Variant of Uncertain Significance.

NM_002296.4(LBR):c.158A>G (p.Asp53Gly)

Gene: LBR (lamin B receptor; minus strand). Cytogenetic location: 1q42.12.
Variant type: single nucleotide variant.
Coding change: c.158A>G on transcript NM_002296.4 (MANE Select); coding-DNA position 158, A replaced by G.
Protein change: p.Asp53Gly; replaces aspartic acid 53 with glycine.
Molecular consequence: missense variant.
Genome position (GRCh38, 1-based): chr1:225,423,918, T>C on the plus strand (A>G on the coding strand, the complement: LBR is on the minus strand). VCF-style: chr1-225423918-T-C. GRCh37 (hg19) VCF-style: chr1-225611620-T-C.
Other names: c.158A>G, p.Asp53Gly (NM_194442.3); short protein forms D53G.
Identifiers: ClinVar variation 2002965 (VCV002002965.4), dbSNP rs2527841563, ClinGen allele CA345002654.